The following is an entry in ClinVar:

NM_006939.4(SOS2):c.3420T>G (p.Ser1140Arg)

Gene: SOS2 (SOS Ras/Rho guanine nucleotide exchange factor 2; minus strand). Cytogenetic location: 14q21.3.
Variant type: single nucleotide variant.
Coding change: c.3420T>G on transcript NM_006939.4 (MANE Select); coding-DNA position 3420, T replaced by G.
Protein change: p.Ser1140Arg; replaces serine 1140 with arginine.
Molecular consequence: missense variant.
Genome position (GRCh38, 1-based): chr14:50,120,344, A>C on the plus strand (T>G on the coding strand, the complement: SOS2 is on the minus strand). VCF-style: chr14-50120344-A-C. GRCh37 (hg19) VCF-style: chr14-50587062-A-C.
Other names: c.3321T>G, p.Ser1107Arg (NM_001411020.1); short protein forms S1107R, S1140R.
Identifiers: ClinVar variation 3636085 (VCV003636085.2).

ClinVar aggregate classification (germline): Uncertain significance (1 of 4 stars; one submission).

Conditions:
Noonan syndrome 9 (NS9). Identifiers: Orphanet 648, MedGen C4225282, MONDO:0014691, OMIM 616559.

Submission:

Labcorp Genetics (formerly Invitae), Labcorp
Classification: Uncertain significance for Noonan syndrome 9. Last evaluated: 2024-04-12. Review status: criteria provided, single submitter. Criteria: Invitae Variant Classification Sherloc (09022015). Collection method: clinical testing. Allele origin: germline.
Comment: This sequence change replaces serine, which is neutral and polar, with arginine, which is basic and polar, at codon 1140 of the SOS2 protein (p.Ser1140Arg). This variant is not present in population databases (gnomAD no frequency). This variant has not been reported in the literature in individuals affected with SOS2-related conditions. Advanced modeling of protein sequence and biophysical properties (such as structural, functional, and spatial information, amino acid conservation, physicochemical variation, residue mobility, and thermodynamic stability) performed at Invitae indicates that this missense variant is not expected to disrupt SOS2 protein function with a negative predictive value of 95%. In summary, the available evidence is currently insufficient to determine the role of this variant in disease. Therefore, it has been classified as a Variant of Uncertain Significance.